The following is an entry in ClinVar:

ClinVar aggregate classification (germline): Uncertain significance. Review status: criteria provided, multiple submitters, no conflicts (2 of 4 stars). 2 submissions from 2 submitters: Uncertain significance (2). Last evaluated 2024-12-04.

Conditions:
TRRAP-related disorder. Also called: TRRAP-related condition.

Allele frequency attached by ClinVar (database versions not stated): gnomAD exomes below 0.00001; ExAC 0.00001; TOPMed 0.00001.

Submissions (2):

Labcorp Genetics (formerly Invitae), Labcorp
Classification: Uncertain significance. Last evaluated: 2024-12-04. Review status: criteria provided, single submitter. Criteria: Invitae Variant Classification Sherloc (09022015). Collection method: clinical testing. Allele origin: germline.
Comment: This sequence change replaces tyrosine, which is neutral and polar, with cysteine, which is neutral and slightly polar, at codon 2146 of the TRRAP protein (p.Tyr2146Cys). This variant is present in population databases (rs770792234, gnomAD 0.004%). This variant has not been reported in the literature in individuals affected with TRRAP-related conditions. ClinVar contains an entry for this variant (Variation ID: 2635073). Invitae Evidence Modeling of protein sequence and biophysical properties (such as structural, functional, and spatial information, amino acid conservation, physicochemical variation, residue mobility, and thermodynamic stability) indicates that this missense variant is not expected to disrupt TRRAP protein function with a negative predictive value of 80%. In summary, the available evidence is currently insufficient to determine the role of this variant in disease. Therefore, it has been classified as a Variant of Uncertain Significance.

PreventionGenetics, part of Exact Sciences
Classification: Uncertain significance for TRRAP-related condition. Last evaluated: 2023-03-28. Review status: criteria provided, single submitter. Criteria: ACMG Guidelines, 2015. Collection method: clinical testing. Allele origin: germline.
Comment: The TRRAP c.6437A>G variant is predicted to result in the amino acid substitution p.Tyr2146Cys. To our knowledge, this variant has not been reported in the literature or in a large population database, indicating this variant is rare. At this time, the clinical significance of this variant is uncertain due to the absence of conclusive functional and genetic evidence.

NM_001375524.1(TRRAP):c.6512A>G (p.Tyr2171Cys)

Gene: TRRAP (transformation/transcription domain associated protein; plus strand). Cytogenetic location: 7q22.1.
Variant type: single nucleotide variant.
Coding change: c.6512A>G on transcript NM_001375524.1 (MANE Select); coding-DNA position 6512, A replaced by G.
Protein change: p.Tyr2171Cys; replaces tyrosine 2171 with cysteine.
Molecular consequence: missense variant.
Genome position (GRCh38, 1-based): chr7:98,961,283, A>G. VCF-style: chr7-98961283-A-G. GRCh37 (hg19) VCF-style: chr7-98558906-A-G.
Other names: c.6491A>G, p.Tyr2164Cys (NM_001244580.2); c.6437A>G, p.Tyr2146Cys (NM_003496.4); short protein forms Y2146C, Y2164C, Y2171C.
Identifiers: ClinVar variation 2635073 (VCV002635073.3), dbSNP rs770792234, ClinGen allele CA4360899.